The following is an entry in ClinVar:

NM_004369.4(COL6A3):c.7334T>C (p.Val2445Ala)

Gene: COL6A3 (collagen type VI alpha 3 chain; minus strand). Cytogenetic location: 2q37.3.
Variant type: single nucleotide variant.
Coding change: c.7334T>C on transcript NM_004369.4 (MANE Select); coding-DNA position 7334, T replaced by C.
Protein change: p.Val2445Ala; replaces valine 2445 with alanine.
Molecular consequence: missense variant.
Genome position (GRCh38, 1-based): chr2:237,344,684, A>G on the plus strand (T>C on the coding strand, the complement: COL6A3 is on the minus strand). VCF-style: chr2-237344684-A-G. GRCh37 (hg19) VCF-style: chr2-238253327-A-G.
Other names: c.5513T>C, p.Val1838Ala (NM_057166.5); c.6716T>C, p.Val2239Ala (NM_057167.4); short protein forms V2239A, V1838A, V2445A.
Identifiers: ClinVar variation 1902621 (VCV001902621.6), dbSNP rs2077061803, ClinGen allele CA351203721.

ClinVar aggregate classification (germline): Uncertain significance. Review status: criteria provided, multiple submitters, no conflicts (2 of 4 stars). 2 submissions from 2 submitters: Uncertain significance (2). Last evaluated 2024-03-06.

Conditions:
Bethlem myopathy 1A. Also called: Bethlem myopathy 1; MYOPATHY, BENIGN CONGENITAL, WITH CONTRACTURES; Bethlem Muscular Dystrophy. Identifiers: Orphanet 610, MedGen CN029274, MONDO:0024530, OMIM 158810.

Submissions (2):

GeneDx
Classification: Uncertain significance. Last evaluated: 2024-03-06. Review status: criteria provided, single submitter. Criteria: GeneDx Variant Classification Process June 2021. Collection method: clinical testing. Allele origin: germline. Affected: yes.
Comment: Not observed at significant frequency in large population cohorts (gnomAD); In silico analysis supports that this missense variant has a deleterious effect on protein structure/function; Has not been previously published as pathogenic or benign to our knowledge

Labcorp Genetics (formerly Invitae), Labcorp
Classification: Uncertain significance for Bethlem myopathy 1A. Last evaluated: 2022-03-01. Review status: criteria provided, single submitter. Criteria: Invitae Variant Classification Sherloc (09022015). Collection method: clinical testing. Allele origin: germline.
Comment: This sequence change replaces valine, which is neutral and non-polar, with alanine, which is neutral and non-polar, at codon 2445 of the COL6A3 protein (p.Val2445Ala). This variant is not present in population databases (gnomAD no frequency). This variant has not been reported in the literature in individuals affected with COL6A3-related conditions. Advanced modeling of protein sequence and biophysical properties (such as structural, functional, and spatial information, amino acid conservation, physicochemical variation, residue mobility, and thermodynamic stability) performed at Invitae indicates that this missense variant is expected to disrupt COL6A3 protein function. In summary, the available evidence is currently insufficient to determine the role of this variant in disease. Therefore, it has been classified as a Variant of Uncertain Significance.